The following is an entry in ClinVar:

ClinVar aggregate classification (germline): Likely pathogenic (1 of 4 stars; one submission).

Conditions:
Hereditary cancer-predisposing syndrome. Also called: Tumor predisposition; Neoplastic Syndromes, Hereditary; Hereditary neoplastic syndrome; Hereditary Cancer Syndrome. Identifiers: Orphanet 140162, MedGen C0027672, MeSH D009386, MONDO:0015356.

Submission:

Ambry Genetics
Classification: Likely pathogenic for Hereditary cancer-predisposing syndrome. Last evaluated: 2025-08-19. Review status: criteria provided, single submitter. Criteria: Ambry Variant Classification Scheme 2023. Collection method: clinical testing. Allele origin: germline.
Comment: The c.628-1G>A intronic variant results from a G to A substitution one nucleotide upstream from coding exon 4 of the MSH6 gene. This nucleotide position is highly conserved in available vertebrate species. In silico splice site analysis predicts that this alteration will weaken the native splice acceptor site and may result in the creation or strengthening of a novel splice acceptor site; however, direct evidence is insufficient at this time (Ambry internal data). This variant is considered to be rare based on population cohorts in the Genome Aggregation Database (gnomAD). Alterations that disrupt the canonical splice site are expected to cause aberrant splicing, resulting in an abnormal protein or a transcript that is subject to nonsense-mediated mRNA decay. As such, this alteration is classified as likely pathogenic.

NM_000179.3(MSH6):c.628-1G>A

Gene: MSH6 (mutS homolog 6; plus strand). Cytogenetic location: 2p16.3.
Variant type: single nucleotide variant.
Coding change: c.628-1G>A on transcript NM_000179.3 (MANE Select); the canonical splice acceptor site of the intron before coding-DNA position 628, G replaced by A.
Molecular consequence: splice acceptor variant. On other transcripts: intron variant (2).
Genome position (GRCh38, 1-based): chr2:47,798,610, G>A. VCF-style: chr2-47798610-G-A. GRCh37 (hg19) VCF-style: chr2-48025749-G-A.
Other names: c.628-1G>A (NM_001406809.1, NM_001406796.1, NM_001406808.1 and 4 more transcripts); c.-279-1G>A (NM_001406811.1, NM_001406814.1, NM_001281493.2 and 5 more transcripts); c.331-1G>A (NM_001406805.1, NM_001406797.1, NM_001406801.1 and 10 more transcripts); c.724-1G>A (NM_001406795.1, NM_001406802.1); c.634-1G>A (NM_001406813.1); c.103-1G>A (NM_001406807.1, NM_001406799.1, NM_001406806.1); c.628-2056G>A (NM_001407362.1); c.550-1G>A (NM_001406804.1); and 3 more.
Identifiers: ClinVar variation 4111221 (VCV004111221.1).